The following is an entry in ClinVar:

ClinVar aggregate classification (germline): Uncertain significance. Review status: criteria provided, multiple submitters, no conflicts (2 of 4 stars). 2 submissions from 2 submitters: Uncertain significance (2). Last evaluated 2025-11-21.

Allele frequency attached by ClinVar (database versions not stated): TOPMed below 0.00001; gnomAD 0.00001; gnomAD exomes 0.00001.
gnomAD v4.1: 59 of 1,614,132 alleles (0.0037%); highest among the groups gnomAD compares: Non-Finnish European, 0.0048%; no homozygotes.

Submissions (2):

Labcorp Genetics (formerly Invitae), Labcorp
Classification: Uncertain significance. Last evaluated: 2025-11-21. Review status: criteria provided, single submitter. Criteria: Invitae Variant Classification Sherloc (09022015). Collection method: clinical testing. Allele origin: germline.
Comment: This sequence change replaces valine, which is neutral and non-polar, with methionine, which is neutral and non-polar, at codon 227 of the FCHO1 protein (p.Val227Met). This variant is present in population databases (no rsID available, gnomAD 0.003%). This variant has not been reported in the literature in individuals affected with FCHO1-related conditions. ClinVar contains an entry for this variant (Variation ID: 1508691). An algorithm developed to predict the effect of missense changes on protein structure and function (PolyPhen-2) suggests that this variant is likely to be disruptive. In summary, the available evidence is currently insufficient to determine the role of this variant in disease. Therefore, it has been classified as a Variant of Uncertain Significance.

Ambry Genetics
Classification: Uncertain significance. Last evaluated: 2025-04-12. Review status: criteria provided, single submitter. Criteria: Ambry Variant Classification Scheme 2023. Collection method: clinical testing. Allele origin: germline.

NM_015122.3(FCHO1):c.679G>A (p.Val227Met)

Gene: FCHO1 (FCH and mu domain containing endocytic adaptor 1; plus strand). Cytogenetic location: 19p13.11.
Variant type: single nucleotide variant.
Coding change: c.679G>A on transcript NM_015122.3 (MANE Select); coding-DNA position 679, G replaced by A.
Protein change: p.Val227Met; replaces valine 227 with methionine.
Molecular consequence: missense variant. On other transcripts: non-coding transcript variant (36).
Genome position (GRCh38, 1-based): chr19:17,772,541, G>A. VCF-style: chr19-17772541-G-A. GRCh37 (hg19) VCF-style: chr19-17883350-G-A.
Other names: c.679G>A, p.Val227Met (NM_001161357.2, NM_001161358.2, NM_001384370.1 and 26 more transcripts); c.529G>A, p.Val177Met (NM_001161359.2, NM_001384384.1, NM_001384385.1 and 3 more transcripts); c.679G>A (NM_001161357.1); c.640G>A, p.Val214Met (NM_001384388.1, NM_001384389.1, NM_001384405.1); c.604G>A, p.Val202Met (NM_001384390.1); short protein forms V214M, V177M, V202M, V227M.
Identifiers: ClinVar variation 1508691 (VCV001508691.7), dbSNP rs1036103313, ClinGen allele CA306111889.